The following is an entry in ClinVar:

NM_032737.4(LMNB2):c.1729G>A (p.Val577Met)

Gene: LMNB2 (lamin B2; minus strand). Cytogenetic location: 19p13.3.
Variant type: single nucleotide variant.
Coding change: c.1729G>A on transcript NM_032737.4 (MANE Select); coding-DNA position 1729, G replaced by A.
Protein change: p.Val577Met; replaces valine 577 with methionine.
Molecular consequence: missense variant.
Genome position (GRCh38, 1-based): chr19:2,431,640, C>T on the plus strand (G>A on the coding strand, the complement: LMNB2 is on the minus strand). VCF-style: chr19-2431640-C-T. GRCh37 (hg19) VCF-style: chr19-2431638-C-T.
Other names: short protein forms V577M.
Identifiers: ClinVar variation 2106383 (VCV002106383.4), dbSNP rs2512232311, ClinGen allele CA403249042.

ClinVar aggregate classification (germline): Uncertain significance (1 of 4 stars; one submission).

Conditions:
Progressive myoclonic epilepsy type 9. Identifiers: Orphanet 457265, MedGen C4225289, MONDO:0014685, OMIM 616540.
Lipodystrophy, partial, acquired, susceptibility to (APLD). Also called: APLD, SUSCEPTIBILITY TO. Identifiers: MedGen C3887501, MONDO:0100476, OMIM 608709.

Submission:

Labcorp Genetics (formerly Invitae), Labcorp
Classification: Uncertain significance for Progressive myoclonic epilepsy type 9; Lipodystrophy, partial, acquired, susceptibility to. Last evaluated: 2022-04-13. Review status: criteria provided, single submitter. Criteria: Invitae Variant Classification Sherloc (09022015). Collection method: clinical testing. Allele origin: germline.
Comment: This variant has not been reported in the literature in individuals affected with LMNB2-related conditions. In summary, the available evidence is currently insufficient to determine the role of this variant in disease. Therefore, it has been classified as a Variant of Uncertain Significance. Algorithms developed to predict the effect of missense changes on protein structure and function are either unavailable or do not agree on the potential impact of this missense change (SIFT: "Deleterious"; PolyPhen-2: "Probably Damaging"; Align-GVGD: "Class C0"). This variant is not present in population databases (gnomAD no frequency). This sequence change replaces valine, which is neutral and non-polar, with methionine, which is neutral and non-polar, at codon 577 of the LMNB2 protein (p.Val577Met).